The following is an entry in ClinVar:

ClinVar aggregate classification (germline): Pathogenic (1 of 4 stars; one submission).

Conditions:
Chédiak-Higashi syndrome (CHS). Also called: Chediak-Higashi Syndrome. Identifiers: Orphanet 167, MedGen C0007965, MONDO:0008963, OMIM 214500.

Submission:

Labcorp Genetics (formerly Invitae), Labcorp
Classification: Pathogenic for Chédiak-Higashi syndrome. Last evaluated: 2024-01-06. Review status: criteria provided, single submitter. Criteria: Invitae Variant Classification Sherloc (09022015). Collection method: clinical testing. Allele origin: germline.
Comment: This sequence change creates a premature translational stop signal (p.Glu3201Lysfs*58) in the LYST gene. It is expected to result in an absent or disrupted protein product. Loss-of-function variants in LYST are known to be pathogenic (PMID: 9215679, 11857544). This variant is not present in population databases (gnomAD no frequency). This variant has not been reported in the literature in individuals affected with LYST-related conditions. For these reasons, this variant has been classified as Pathogenic.

Literature cited by the submitters: PubMed 9215679; PubMed 11857544.

NM_000081.4(LYST):c.9600del (p.Glu3201fs)

Gene: LYST (lysosomal trafficking regulator; minus strand). Cytogenetic location: 1q42.3.
Variant type: Deletion.
Coding change: c.9600del on transcript NM_000081.4 (MANE Select); coding-DNA position 9600, one base deleted (A; older notation c.9600delA).
Protein change: p.Glu3201fs; shifts the reading frame from glutamic acid 3201.
Molecular consequence: frameshift variant.
Genome position (GRCh38, 1-based): chr1:235,716,739, T deleted on the plus strand (A on the coding strand, the reverse complement: LYST is on the minus strand); the first of 5 consecutive T bases (chr1:235,716,739-235,716,743); deleting any one gives the same sequence. VCF-style (leftmost placement, unchanged base first): chr1-235716738-CT-C. GRCh37 (hg19) VCF-style: chr1-235880038-CT-C.
Other names: c.9600del, p.Glu3201fs (NM_001301365.1); short protein forms E3201fs.
Identifiers: ClinVar variation 2708037 (VCV002708037.3), dbSNP rs2527417930, ClinGen allele CA2651131980.
Genomic context (GRCh38, chr1:235,716,738, plus strand): 5'-CATTTAATAAAGTACGAGTAAAAACAAAAGCTACCTTGTATGTGTCCACATAACGATCTT[CT>C]TTTTCTTTATACTGAACAGCTATAGGTTTAGAGAGATTTCTGCAAGAAAAGGACAATTTT-3'